The following is an entry in ClinVar:

ClinVar aggregate classification (germline): Benign/Likely benign (0 of 4 stars; one submission).

Submission:

ISCA Site 6
Classification: Benign/Likely benign. Review status: no assertion criteria provided. Collection method: clinical testing. Allele origin: unknown. Affected: yes. Observed: 3 variant alleles. Clinical features observed: Developmental delay AND/OR other significant developmental or morphological phenotypes.
Comment: Likely benign (2), Benign (1)

Copy number variation identified through the course of routine clinical cytogenomic testing in postnatal populations, with clinical assertions as classified by the original submitter. For data from the original published study, Kaminsky, et al. 2011 (PubMed 21844811), please see nstd101.

GRCh37/hg19 21q22.12(chr21:37507345-37578365)x3

Genes: CBR3 (carbonyl reductase 3; plus strand), DOP1B (DOP1 leucine zipper like protein B; plus strand). Cytogenetic location: 21q22.12.
Variant type: copy number gain.
Change: copy number 3 (three copies instead of two) of chr21:37,507,345-37,578,365 (71.0 kb, GRCh37 coordinates, 1-based), cytogenetic band 21q22.12.
Identifiers: ClinVar variation 394683 (VCV000394683.3).